The following is an entry in ClinVar:

ClinVar aggregate classification (germline): Likely benign (1 of 4 stars; one submission).

gnomAD v4.1: 37 of 1,536,840 alleles (0.0024%); highest among the groups gnomAD compares: South Asian, 0.0036%; no homozygotes.

Submission:

CeGaT Center for Human Genetics Tuebingen
Classification: Likely benign. Last evaluated: 2024-04-01. Review status: criteria provided, single submitter. Criteria: CeGaT Center For Human Genetics Tuebingen Variant Classification Criteria Version 2. Collection method: clinical testing. Allele origin: germline. Affected: yes. Observed: 1 variant allele.
Comment: PERM1: BP4

NM_001394713.1(PERM1):c.1717G>A (p.Gly573Arg)

Gene: PERM1 (PPARGC1 and ESRR induced regulator, muscle 1; minus strand). Cytogenetic location: 1p36.33.
Variant type: single nucleotide variant.
Coding change: c.1717G>A on transcript NM_001394713.1 (MANE Select); coding-DNA position 1717, G replaced by A.
Protein change: p.Gly573Arg; replaces glycine 573 with arginine.
Molecular consequence: missense variant.
Genome position (GRCh38, 1-based): chr1:979,313, C>T on the plus strand (G>A on the coding strand, the complement: PERM1 is on the minus strand). VCF-style: chr1-979313-C-T. GRCh37 (hg19) VCF-style: chr1-914693-C-T.
Other names: c.1717G>A, p.Gly573Arg (NM_001291366.2, NM_001369897.1, NM_001369898.1); c.1375G>A, p.Gly459Arg (NM_001291367.2); short protein forms G459R, G573R.
Identifiers: ClinVar variation 3234418 (VCV003234418.20), dbSNP rs536195330, ClinGen allele CA16767292.
Genomic context (GRCh38, chr1:979,313, plus strand): 5'-CGATGGTGTCACAGAAGAAGAACTCGTAGGCCTCCGGGAGGGTCACGGCAAAGCTGCTCC[C>T]GGGCCCGACCCTCGTCACGGCAGAGGGAGGGGGGCGAGGCAGGTGCTTGAGGATCCGAGG-3'
Protein context (NP_001381642.1, residues 563-583): PPSAVTRVGP[Gly573Arg]SSFAVTLPEA